The following is an entry in ClinVar:

NM_004078.3(CSRP1):c.315T>C (p.Asn105=)

Gene: CSRP1 (cysteine and glycine rich protein 1; minus strand). Cytogenetic location: 1q32.1.
Variant type: single nucleotide variant.
Coding change: c.315T>C on transcript NM_004078.3 (MANE Select); coding-DNA position 315, T replaced by C.
Protein change: p.Asn105=; no amino-acid change (asparagine 105 retained).
Molecular consequence: synonymous variant.
Genome position (GRCh38, 1-based): chr1:201,488,951, A>G on the plus strand (T>C on the coding strand, the complement: CSRP1 is on the minus strand). VCF-style: chr1-201488951-A-G. GRCh37 (hg19) VCF-style: chr1-201458079-A-G.
Other names: c.315T>C, p.Asn105= (NM_001193570.2, NM_001193571.2, NM_001193572.2).
Identifiers: ClinVar variation 2639783 (VCV002639783.24), dbSNP rs2102405052, ClinGen allele CA422533546.

ClinVar aggregate classification (germline): Likely benign (1 of 4 stars; one submission).

Allele frequency attached by ClinVar (database versions not stated): gnomAD exomes 0.00001.
gnomAD v4.1: 3 of 1,614,010 alleles (0.00019%); highest among the groups gnomAD compares: Non-Finnish European, 0.00025%; no homozygotes.

Submission:

CeGaT Center for Human Genetics Tuebingen
Classification: Likely benign. Last evaluated: 2022-10-01. Review status: criteria provided, single submitter. Criteria: CeGaT Center For Human Genetics Tuebingen Variant Classification Criteria Version 2. Collection method: clinical testing. Allele origin: germline. Affected: yes. Observed: 1 variant allele.
Comment: CSRP1: PM2:Supporting, BP4, BP7